The following is an entry in ClinVar:

ClinVar aggregate classification (germline): Benign/Likely benign. Review status: criteria provided, multiple submitters, no conflicts (2 of 4 stars). 10 submissions from 10 submitters: Benign (5); Likely benign (1). 4 of the submissions do not count toward it. Last evaluated 2026-02-01.

Conditions:
FUS-related disorder. Also called: FUS-related condition.
Tremor, hereditary essential, 4 (ETM4). Identifiers: MedGen C3539195, MONDO:0013888, OMIM 614782.
Amyotrophic lateral sclerosis type 6. Also called: AMYOTROPHIC LATERAL SCLEROSIS 6 WITHOUT FRONTOTEMPORAL DEMENTIA; FUS-Related Amyotrophic Laterial Sclerosis; Amyotrophic lateral sclerosis 6, with or without frontotemporal dementia. Identifiers: Orphanet 275872, Orphanet 803, MedGen C2931786, MONDO:0011951, OMIM 608030.

Submissions (10):

Labcorp Genetics (formerly Invitae), Labcorp
Classification: Benign for Tremor, hereditary essential, 4; Amyotrophic lateral sclerosis type 6. Last evaluated: 2026-02-01. Review status: criteria provided, single submitter. Criteria: Invitae Variant Classification Sherloc (09022015). Collection method: clinical testing. Allele origin: germline.

CeGaT Center for Human Genetics Tuebingen
Classification: Likely benign. Last evaluated: 2025-11-01. Review status: criteria provided, single submitter. Criteria: CeGaT Center For Human Genetics Tuebingen Variant Classification Criteria Version 2. Collection method: clinical testing. Allele origin: germline. Affected: yes. Observed: 7 variant alleles.
Comment: FUS: BS1

Mayo Clinic Laboratories, Mayo Clinic
Classification: Benign. Last evaluated: 2023-08-21. Review status: criteria provided, single submitter. Criteria: ACMG Guidelines, 2015. Collection method: clinical testing. Allele origin: germline. Observed: 4 variant alleles.
Comment: BS1, BS2, BP3, BP4

Fulgent Genetics
Classification: Benign for Amyotrophic lateral sclerosis type 6; Tremor, hereditary essential, 4. Last evaluated: 2021-09-03. Review status: criteria provided, single submitter. Criteria: ACMG Guidelines, 2015. Collection method: clinical testing. Allele origin: unknown.

GeneDx
Classification: Benign. Last evaluated: 2020-09-22. Review status: criteria provided, single submitter. Criteria: GeneDx Variant Classification Process June 2021. Collection method: clinical testing. Allele origin: germline. Affected: yes.
Comment: This variant is associated with the following publications: (PMID: 19251627, 20668259, 20124201, 20544928)

Mendelics
Classification: Benign for Amyotrophic lateral sclerosis type 6. Last evaluated: 2019-05-28. Review status: criteria provided, single submitter. Criteria: Mendelics Assertion Criteria 2017. Collection method: clinical testing. Allele origin: unknown.

PreventionGenetics, part of Exact Sciences
Classification: Likely benign for FUS-related condition. Last evaluated: 2019-04-26. Review status: no assertion criteria provided. Collection method: clinical testing. Allele origin: germline. Not counted in ClinVar's aggregate classification.
Comment: This variant is classified as likely benign based on ACMG/AMP sequence variant interpretation guidelines (Richards et al. 2015 PMID: 25741868, with internal and published modifications).

Clinical Genetics DNA and cytogenetics Diagnostics Lab, Erasmus MC, Erasmus Medical Center
Classification: Likely benign. Review status: no assertion criteria provided. Collection method: clinical testing. Allele origin: germline. Affected: yes. Study: VKGL Data-share Consensus. Not counted in ClinVar's aggregate classification.

Genome Diagnostics Laboratory, Amsterdam University Medical Center
Classification: Likely benign. Review status: no assertion criteria provided. Collection method: clinical testing. Allele origin: germline. Affected: yes. Study: VKGL Data-share Consensus. Not counted in ClinVar's aggregate classification.

Genome Diagnostics Laboratory, University Medical Center Utrecht
Classification: Benign. Review status: no assertion criteria provided. Collection method: clinical testing. Allele origin: germline. Affected: yes. Study: VKGL Data-share Consensus. Not counted in ClinVar's aggregate classification.

Literature cited by the submitters: PubMed 19251627 (cited by Mayo Clinic Laboratories, Mayo Clinic); PubMed 20124201 (cited by Mayo Clinic Laboratories, Mayo Clinic); PubMed 20544928 (cited by Mayo Clinic Laboratories, Mayo Clinic); PubMed 20668259 (cited by Mayo Clinic Laboratories, Mayo Clinic); PubMed 32951934 (cited by Mayo Clinic Laboratories, Mayo Clinic); PubMed 33408239 (cited by Mayo Clinic Laboratories, Mayo Clinic); PubMed 33661429 (cited by Mayo Clinic Laboratories, Mayo Clinic); PubMed 35120450 (cited by Mayo Clinic Laboratories, Mayo Clinic).

NM_004960.4(FUS):c.518_523del

Gene: FUS (FUS DNA/RNA binding protein; plus strand). Cytogenetic location: 16p11.2.
Variant type: Microsatellite.
Coding change: c.518_523del on transcript NM_004960.4 (MANE Select); coding-DNA positions 518 to 523, 6 bases deleted (GAGGTG; older notation c.518_523delGAGGTG).
Molecular consequence: splice donor variant.
Genome position (GRCh38, 1-based): chr16:31,184,394-31,184,399, GAGGTG deleted; deleting any 6 consecutive bases within chr16:31,184,372-31,184,399 gives the same sequence; the c. name uses the placement nearest the transcript's 3' end. VCF-style (leftmost placement, unchanged base first): chr16-31184371-TGGTGGA-T. GRCh37 (hg19) VCF-style: chr16-31195692-TGGTGGA-T.
Other names: c.521_523+3delGAGGTG (NM_004960.3); c.521_523+3del6 (NM_004960.3).
Identifiers: ClinVar variation 540281 (VCV000540281.46), ClinGen allele CA8023634.